The following is an entry in ClinVar:

NM_022454.4(SOX17):c.954GCACCA[6] (p.316QH[7])

Gene: SOX17 (SRY-box transcription factor 17; plus strand). Cytogenetic location: 8q11.23.
Variant type: Microsatellite.
Coding change: c.954GCACCA[6] on transcript NM_022454.4 (MANE Select); six copies in a row of the 6-base unit GCACCA starting at c.954; the reference has four copies in a row; two copies, 12 bases duplicated.
Protein change: p.316QH[7].
Molecular consequence: inframe insertion.
Genome position (GRCh38, 1-based): chr8:54,459,716-54,459,727, GCACCAGCACCA duplicated; duplicating any 12 consecutive bases within chr8:54,459,699-54,459,727 gives the same sequence; the position shown is the placement nearest the transcript's 3' end. VCF-style (leftmost placement, unchanged base first): chr8-54459698-A-ACACCAGCACCAG. GRCh37 (hg19) VCF-style: chr8-55372258-A-ACACCAGCACCAG.
Other names: c.966_977dup12 (NM_022454.3).
Identifiers: ClinVar variation 1581431 (VCV001581431.10), dbSNP rs564144826, ClinGen allele CA4750989.
Genomic context (GRCh38, chr8:54,459,698, plus strand): 5'-CTACGGCGCGATGGGCTCGCCCGGGGCGGGCGGCGGGCGCGGCTTCCAGATGCAGCCGCA[A>ACACCAGCACCAG]CACCAGCACCAGCACCAGCACCAGCACCACCCCCCGGGCCCCGGACAGCCGTCGCCCCCT-3'

ClinVar aggregate classification (germline): Benign. Review status: criteria provided, single submitter (1 of 4 stars). 2 submissions from 2 submitters: Benign (1). 1 of the submissions does not count toward it. Last evaluated 2025-11-12.

Conditions:
SOX17-related disorder. Also called: SOX17-related condition.

Submissions (2):

Labcorp Genetics (formerly Invitae), Labcorp
Classification: Benign. Last evaluated: 2025-11-12. Review status: criteria provided, single submitter. Criteria: Invitae Variant Classification Sherloc (09022015). Collection method: clinical testing. Allele origin: germline.

PreventionGenetics, part of Exact Sciences
Classification: Benign for SOX17-related condition. Last evaluated: 2019-05-22. Review status: no assertion criteria provided. Collection method: clinical testing. Allele origin: germline. Not counted in ClinVar's aggregate classification.
Comment: This variant is classified as benign based on ACMG/AMP sequence variant interpretation guidelines (Richards et al. 2015 PMID: 25741868, with internal and published modifications).